The following is an entry in ClinVar:

ClinVar aggregate classification (germline): Likely pathogenic (1 of 4 stars; one submission).

Conditions:
DICER1-related tumor predisposition. Also called: DICER1-related pleuropulmonary blastoma cancer predisposition syndrome; DICER1 syndrome. Identifiers: Orphanet 284343, MedGen C3839822, MONDO:0100216.

Submission:

Institute for Genomic Medicine (IGM) Clinical Laboratory, Nationwide Children's Hospital
Classification: Likely pathogenic for DICER1-related tumor predisposition. Last evaluated: 2024-01-09. Review status: criteria provided, single submitter. Criteria: ACMG Guidelines, 2015. Collection method: clinical testing. Allele origin: germline.
Comment: This variant is predicted to result in loss of function through nonsense-mediated decay of the encoded transcript or premature truncation of the encoded protein in a gene in which loss of function is a known mechanism of disease (ACMG/AMP: PVS1; PMIDs:26925222, 31342592). This variant is absent from or present at an exceedingly low frequency in gnomAD, a large-scale control population database (ACMG/AMP: PM2).

Literature cited by the submitters: PubMed 26925222; PubMed 31342592.

NM_177438.3(DICER1):c.5527+1G>T

Gene: DICER1 (dicer 1, ribonuclease III; minus strand). Cytogenetic location: 14q32.13.
Variant type: single nucleotide variant.
Coding change: c.5527+1G>T on transcript NM_177438.3 (MANE Select); the canonical splice donor site of the intron after coding-DNA position 5527, G replaced by T.
Molecular consequence: splice donor variant. On other transcripts: intron variant (1).
Genome position (GRCh38, 1-based): chr14:95,091,202, C>A on the plus strand (G>T on the coding strand, the complement: DICER1 is on the minus strand). VCF-style: chr14-95091202-C-A. GRCh37 (hg19) VCF-style: chr14-95557539-C-A.
Other names: c.5527+1G>T (NM_001291628.2, NM_030621.4, NM_001395677.1 and 7 more transcripts); c.5122+1G>T (NM_001395690.1, NM_001395687.1, NM_001395689.1 and 1 more transcripts); c.5245+1G>T (NM_001395686.1); c.4960+1G>T (NM_001395691.1); c.3844+1G>T (NM_001395697.1); c.5365-93G>T (NM_001195573.1).
Identifiers: ClinVar variation 4759275 (VCV004759275.1).